The following is an entry in ClinVar:

NM_015136.3(STAB1):c.3429C>A (p.Leu1143=)

Gene: STAB1 (stabilin 1; plus strand). Cytogenetic location: 3p21.1.
Variant type: single nucleotide variant.
Coding change: c.3429C>A on transcript NM_015136.3 (MANE Select); coding-DNA position 3429, C replaced by A.
Protein change: p.Leu1143=; no amino-acid change (leucine 1143 retained).
Molecular consequence: synonymous variant.
Genome position (GRCh38, 1-based): chr3:52,513,963, C>A. VCF-style: chr3-52513963-C-A. GRCh37 (hg19) VCF-style: chr3-52547979-C-A.
Identifiers: ClinVar variation 2653893 (VCV002653893.24), dbSNP rs1038939908, ClinGen allele CA74774967.

ClinVar aggregate classification (germline): Likely benign (1 of 4 stars; one submission).

gnomAD v4.1: 26 of 1,604,024 alleles (0.0016%); highest among the groups gnomAD compares: Non-Finnish European, 0.002%; no homozygotes.

Submission:

CeGaT Center for Human Genetics Tuebingen
Classification: Likely benign. Last evaluated: 2022-04-01. Review status: criteria provided, single submitter. Criteria: CeGaT Center For Human Genetics Tuebingen Variant Classification Criteria Version 2. Collection method: clinical testing. Allele origin: germline. Affected: yes. Observed: 2 variant alleles.
Comment: STAB1: BP4, BP7